The following is an entry in ClinVar:

ClinVar aggregate classification (germline): Pathogenic. Review status: criteria provided, multiple submitters, no conflicts (2 of 4 stars). 3 submissions from 3 submitters: Pathogenic (3). Last evaluated 2025-02-19.

Conditions:
Familial cancer of breast. Also called: BREAST CANCER, FAMILIAL; Hereditary breast cancer; hereditary breast carcinoma. Identifiers: Orphanet 227535, MedGen C0346153, MONDO:0016419, OMIM 114480. Disease mechanism: loss of function.
Hereditary cancer-predisposing syndrome. Also called: Hereditary neoplastic syndrome; Neoplastic Syndromes, Hereditary; Tumor predisposition; Hereditary Cancer Syndrome. Identifiers: Orphanet 140162, MedGen C0027672, MeSH D009386, MONDO:0015356.
Fanconi anemia complementation group J. Also called: BRIP1-Related Fanconi Anemia. Identifiers: Orphanet 84, MedGen C1836860, MONDO:0012187, OMIM 609054.

Submissions (3):

Labcorp Genetics (formerly Invitae), Labcorp
Classification: Pathogenic for Familial cancer of breast; Fanconi anemia complementation group J. Last evaluated: 2025-02-19. Review status: criteria provided, single submitter. Criteria: Invitae Variant Classification Sherloc (09022015). Collection method: clinical testing. Allele origin: germline.
Comment: This sequence change creates a premature translational stop signal (p.Leu842Tyrfs*5) in the BRIP1 gene. It is expected to result in an absent or disrupted protein product. Loss-of-function variants in BRIP1 are known to be pathogenic (PMID: 16116423, 17033622, 21964575). This variant is not present in population databases (gnomAD no frequency). This variant has not been reported in the literature in individuals affected with BRIP1-related conditions. ClinVar contains an entry for this variant (Variation ID: 483199). For these reasons, this variant has been classified as Pathogenic.

Myriad Genetics, Inc.
Classification: Pathogenic for Familial cancer of breast. Last evaluated: 2023-06-07. Review status: criteria provided, single submitter. Criteria: Myriad Autosomal Dominant, Autosomal Recessive and X-Linked Classification Criteria (2023). Collection method: clinical testing. Allele origin: unknown.
Comment: This variant is considered pathogenic. This variant creates a frameshift predicted to result in premature protein truncation.

Ambry Genetics
Classification: Pathogenic for Hereditary cancer-predisposing syndrome. Last evaluated: 2021-10-01. Review status: criteria provided, single submitter. Criteria: Ambry Variant Classification Scheme 2023. Collection method: clinical testing. Allele origin: germline.
Comment: The c.2524_2525delCT pathogenic mutation, located in coding exon 17 of the BRIP1 gene, results from a deletion of two nucleotides at nucleotide positions 2524 to 2525, causing a translational frameshift with a predicted alternate stop codon (p.L842Yfs*5). This alteration is expected to result in loss of function by premature protein truncation or nonsense-mediated mRNA decay. As such, this alteration is interpreted as a disease-causing mutation.

Literature cited by the submitters: PubMed 16116423 (cited by Labcorp Genetics (formerly Invitae), Labcorp); PubMed 17033622 (cited by Labcorp Genetics (formerly Invitae), Labcorp); PubMed 21964575 (cited by Labcorp Genetics (formerly Invitae), Labcorp).

NM_032043.3(BRIP1):c.2524_2525del (p.Leu842fs)

Gene: BRIP1 (BRCA1 interacting DNA helicase 1; minus strand). Cytogenetic location: 17q23.2.
Variant type: Microsatellite.
Coding change: c.2524_2525del on transcript NM_032043.3 (MANE Select); coding-DNA positions 2524 to 2525, 2 bases deleted (CT; older notation c.2524_2525delCT).
Protein change: p.Leu842fs; shifts the reading frame from leucine 842.
Molecular consequence: frameshift variant.
Genome position (GRCh38, 1-based): chr17:61,693,480-61,693,481, AG deleted on the plus strand (CT on the coding strand, the reverse complement: BRIP1 is on the minus strand); deleting any 2 consecutive bases within chr17:61,693,480-61,693,483 gives the same sequence; the c. name uses the placement nearest the transcript's 3' end. VCF-style (leftmost placement, unchanged base first): chr17-61693479-AAG-A. GRCh37 (hg19) VCF-style: chr17-59770840-AAG-A.
Other names: c.2524_2525delCT (NM_032043.2); short protein forms L842fs.
Identifiers: ClinVar variation 483199 (VCV000483199.16), dbSNP rs1555574788, ClinGen allele CA658658655.